The following is an entry in ClinVar:

NM_201596.3(CACNB2):c.1893G>C (p.Lys631Asn)

Gene: CACNB2 (calcium voltage-gated channel auxiliary subunit beta 2; plus strand). Cytogenetic location: 10p12.31.
Variant type: single nucleotide variant.
Coding change: c.1893G>C on transcript NM_201596.3 (MANE Select); coding-DNA position 1893, G replaced by C.
Protein change: p.Lys631Asn; replaces lysine 631 with asparagine.
Molecular consequence: missense variant.
Genome position (GRCh38, 1-based): chr10:18,539,634, G>C. VCF-style: chr10-18539634-G-C. GRCh37 (hg19) VCF-style: chr10-18828563-G-C.
Other names: c.1728G>C, p.Lys576Asn (NM_000724.4); c.1695G>C, p.Lys565Asn (NM_001167945.2); c.1614G>C, p.Lys538Asn (NM_001330060.2); c.1635G>C, p.Lys545Asn (NM_001410882.1); c.1749G>C, p.Lys583Asn (NM_201570.3); c.1809G>C, p.Lys603Asn (NM_201571.4); c.1737G>C, p.Lys579Asn (NM_201572.4); c.1731G>C, p.Lys577Asn (NM_201590.3); and 2 more; short protein forms K545N, K579N, K607N, K631N, K565N, K577N, K593N, K583N.
Identifiers: ClinVar variation 4613783 (VCV004613783.1).

ClinVar aggregate classification (germline): Uncertain significance (1 of 4 stars; one submission).

Conditions:
Cardiovascular phenotype. Identifiers: MedGen CN230736.

gnomAD v4.1: 3 of 1,613,374 alleles (0.00019%); highest among the groups gnomAD compares: Admixed American, 0.005%; no homozygotes.

Submission:

Ambry Genetics
Classification: Uncertain significance for Cardiovascular phenotype. Last evaluated: 2025-10-14. Review status: criteria provided, single submitter. Criteria: Ambry Variant Classification Scheme 2023. Collection method: clinical testing. Allele origin: germline.
Comment: The p.K577N variant (also known as c.1731G>C), located in coding exon 13 of the CACNB2 gene, results from a G to C substitution at nucleotide position 1731. The lysine at codon 577 is replaced by asparagine, an amino acid with similar properties. This amino acid position is conserved. In addition, this alteration is predicted to be tolerated by in silico analysis. Based on the available evidence, the clinical significance of this variant remains unclear.